The following is an entry in ClinVar:

NM_001242896.3(DEPDC5):c.4303del (p.Leu1435fs)

Gene: DEPDC5 (DEP domain containing 5, GATOR1 subcomplex subunit; plus strand). Cytogenetic location: 22q12.3.
Variant type: Deletion.
Coding change: c.4303del on transcript NM_001242896.3 (MANE Select); coding-DNA position 4303, one base deleted (C; older notation c.4303delC).
Protein change: p.Leu1435fs; shifts the reading frame from leucine 1435.
Molecular consequence: frameshift variant. On other transcripts: non-coding transcript variant (5).
Genome position (GRCh38, 1-based): chr22:31,897,581, C deleted; the last of 5 consecutive C bases (chr22:31,897,577-31,897,581); deleting any one gives the same sequence. VCF-style (leftmost placement, unchanged base first): chr22-31897576-AC-A. GRCh37 (hg19) VCF-style: chr22-32293562-AC-A.
Other names: c.4276del, p.Leu1426fs (NM_001136029.4); c.4003del, p.Leu1335fs (NM_001242897.2); c.4237del, p.Leu1413fs (NM_001363852.2, NM_001364320.2); c.4069del, p.Leu1357fs (NM_001363854.2, NM_001364319.2); c.4303del, p.Leu1435fs (NM_001364318.2); c.4219del, p.Leu1407fs (NM_001369901.1, NM_001369902.1); c.4210del, p.Leu1404fs (NM_001369903.1, NM_014662.6); short protein forms L1357fs, L1413fs, L1426fs, L1435fs, L1335fs, L1404fs, L1407fs.
Identifiers: ClinVar variation 5035190 (VCV005035190.1).

ClinVar aggregate classification (germline): Uncertain significance (1 of 4 stars; one submission).

Conditions:
Inborn genetic diseases. Identifiers: MedGen C0950123, MeSH D030342.

Submission:

Ambry Genetics
Classification: Uncertain significance for Inborn genetic diseases. Last evaluated: 2026-06-30. Review status: criteria provided, single submitter. Criteria: Ambry Variant Classification Scheme 2023. Collection method: clinical testing. Allele origin: germline.
Comment: The c.4303delC (p.L1435Ffs*139) alteration, located in exon 40 (coding exon 39) of the DEPDC5 gene, consists of a deletion of one nucleotide at position 4303, causing a translational frameshift with a predicted alternate stop codon after 139 amino acids. This variant is not expected to trigger nonsense-mediated mRNA decay, and impacts the last 10% of the protein. The exact functional effect of this variant is unknown. This variant was not reported in population-based cohorts in the Genome Aggregation Database (gnomAD). Based on insufficient or conflicting evidence, the clinical significance of this alteration remains unclear.